The following is an entry in ClinVar:

NM_052947.4(ALPK2):c.3059C>A (p.Ala1020Asp)

Gene: ALPK2 (alpha kinase 2; minus strand). Cytogenetic location: 18q21.31.
Variant type: single nucleotide variant.
Coding change: c.3059C>A on transcript NM_052947.4 (MANE Select); coding-DNA position 3059, C replaced by A.
Protein change: p.Ala1020Asp; replaces alanine 1020 with aspartic acid.
Molecular consequence: missense variant.
Genome position (GRCh38, 1-based): chr18:58,537,128, G>T on the plus strand (C>A on the coding strand, the complement: ALPK2 is on the minus strand). VCF-style: chr18-58537128-G-T. GRCh37 (hg19) VCF-style: chr18-56204360-G-T.
Other names: short protein forms A1020D.
Identifiers: ClinVar variation 1799326 (VCV001799326.2), dbSNP rs201551598, ClinGen allele CA300927298.
Genomic context (GRCh38, chr18:58,537,128, plus strand): 5'-AACCTCTCCTCAGTGCCACCTGCATGCTTGTCCTCAGGAATTGACACAGCAAGGTATTTG[G>T]CTGGGTGGACTTCGGTGGCAATGGTAACAGTTGATGTGTCCTCAGTCTCCCTGGTCGCTT-3'
Protein context (NP_443179.3, residues 1010-1030): TVTIATEVHP[Ala1020Asp]KYLAVSIPED

ClinVar aggregate classification (germline): Uncertain significance (1 of 4 stars; one submission).

Allele frequency attached by ClinVar (database versions not stated): TOPMed below 0.00001; gnomAD 0.00001.
gnomAD v4.1: 3 of 1,614,040 alleles (0.00019%); highest among the groups gnomAD compares: Non-Finnish European, 0.00017%; no homozygotes.

Submission:

Ambry Genetics
Classification: Uncertain significance. Last evaluated: 2022-06-04. Review status: criteria provided, single submitter. Criteria: Ambry Variant Classification Scheme 2023. Collection method: clinical testing. Allele origin: germline.
Comment: The p.A1020D variant (also known as c.3059C>A), located in coding exon 4 of the ALPK2 gene, results from a C to A substitution at nucleotide position 3059. The alanine at codon 1020 is replaced by aspartic acid, an amino acid with dissimilar properties. This amino acid position is conserved. In addition, this alteration is predicted to be tolerated by in silico analysis. Since supporting evidence is limited at this time, the clinical significance of this alteration remains unclear.